The following is an entry in ClinVar:

ClinVar aggregate classification (germline): Uncertain significance. Review status: criteria provided, multiple submitters, no conflicts (2 of 4 stars). 2 submissions from 2 submitters: Uncertain significance (2). Last evaluated 2022-10-12.

Allele frequency attached by ClinVar (database versions not stated): gnomAD 0.00001; ExAC 0.00002; TOPMed 0.00002; 1000 Genomes Project 0.00020; 1000 Genomes Project 30x 0.00031.
gnomAD v4.1: 20 of 1,614,232 alleles (0.0012%); highest among the groups gnomAD compares: Non-Finnish European, 0.0016%; no homozygotes.

Submissions (2):

Ambry Genetics
Classification: Uncertain significance. Last evaluated: 2022-10-12. Review status: criteria provided, single submitter. Criteria: Ambry Variant Classification Scheme 2023. Collection method: clinical testing. Allele origin: germline.

CeGaT Center for Human Genetics Tuebingen
Classification: Uncertain significance. Last evaluated: 2022-10-01. Review status: criteria provided, single submitter. Criteria: CeGaT Center For Human Genetics Tuebingen Variant Classification Criteria Version 2. Collection method: clinical testing. Allele origin: germline. Affected: yes. Observed: 1 variant allele.
Comment: POLR1B: PP3

NM_019014.6(POLR1B):c.1478C>T (p.Ser493Phe)

Gene: POLR1B (RNA polymerase I subunit B; plus strand). Cytogenetic location: 2q14.1.
Variant type: single nucleotide variant.
Coding change: c.1478C>T on transcript NM_019014.6 (MANE Select); coding-DNA position 1478, C replaced by T.
Protein change: p.Ser493Phe; replaces serine 493 with phenylalanine.
Molecular consequence: missense variant. On other transcripts: intron variant (1).
Genome position (GRCh38, 1-based): chr2:112,559,440, C>T. VCF-style: chr2-112559440-C-T. GRCh37 (hg19) VCF-style: chr2-113317017-C-T.
Other names: c.1310C>T, p.Ser437Phe (NM_001137604.3, NM_032212.2); c.1592C>T, p.Ser531Phe (NM_001282772.2); c.845C>T, p.Ser282Phe (NM_001282776.2, NM_001371971.1); c.1061C>T, p.Ser354Phe (NM_001282777.2, NM_001282779.2, NM_001371970.1); c.1478C>T, p.Ser493Phe (NM_001371969.1); c.1159-4926C>T (NM_001282774.2); short protein forms S282F, S437F, S354F, S493F, S531F.
Identifiers: ClinVar variation 2401818 (VCV002401818.26), dbSNP rs532394488, ClinGen allele CA1835095.